The following is an entry in ClinVar:

NM_014915.3(ANKRD26):c.1600C>A (p.Gln534Lys)

Gene: ANKRD26 (ankyrin repeat domain 26; minus strand). Cytogenetic location: 10p12.1.
Variant type: single nucleotide variant.
Coding change: c.1600C>A on transcript NM_014915.3 (MANE Select); coding-DNA position 1600, C replaced by A.
Protein change: p.Gln534Lys; replaces glutamine 534 with lysine.
Molecular consequence: missense variant.
Genome position (GRCh38, 1-based): chr10:27,053,355, G>T on the plus strand (C>A on the coding strand, the complement: ANKRD26 is on the minus strand). VCF-style: chr10-27053355-G-T. GRCh37 (hg19) VCF-style: chr10-27342284-G-T.
Other names: c.1600C>A, p.Gln534Lys (NM_001256053.2); short protein forms Q534K.
Identifiers: ClinVar variation 4859923 (VCV004859923.1).

ClinVar aggregate classification (germline): Uncertain significance (1 of 4 stars; one submission).

Conditions:
Inborn genetic diseases. Identifiers: MedGen C0950123, MeSH D030342.

Submission:

Ambry Genetics
Classification: Uncertain significance for Inborn genetic diseases. Last evaluated: 2026-05-27. Review status: criteria provided, single submitter. Criteria: Ambry Variant Classification Scheme 2023. Collection method: clinical testing. Allele origin: germline.
Comment: The p.Q534K variant (also known as c.1600C>A), located in coding exon 16 of the ANKRD26 gene, results from a C to A substitution at nucleotide position 1600. The glutamine at codon 534 is replaced by lysine, an amino acid with similar properties. This amino acid position is conserved. In addition, this alteration is predicted to be tolerated by in silico analysis. Based on the available evidence, the clinical significance of this variant remains unclear.